The following is an entry in ClinVar:

NM_152416.4(NDUFAF6):c.20G>C (p.Gly7Ala)

Genes: NDUFAF6 (NADH:ubiquinone oxidoreductase complex assembly factor 6; plus strand), LOC113788297 (Sharpr-MPRA regulatory region 2014; plus strand). Cytogenetic location: 8q22.1.
Variant type: single nucleotide variant.
Coding change: c.20G>C on transcript NM_152416.4 (MANE Select); coding-DNA position 20, G replaced by C.
Protein change: p.Gly7Ala; replaces glycine 7 with alanine.
Molecular consequence: missense variant. On other transcripts: 5 prime UTR variant (12), non-coding transcript variant (6), intron variant (7).
Genome position (GRCh38, 1-based): chr8:95,025,028, G>C. VCF-style: chr8-95025028-G-C. GRCh37 (hg19) VCF-style: chr8-96037256-G-C.
Other names: c.-261G>C (NM_001330582.2, NM_001354521.2); c.-214G>C (NM_001354517.2); c.-433G>C (NM_001354518.2); c.-429G>C (NM_001354519.2); c.-778G>C (NM_001354527.2); c.-749G>C (NM_001354528.2); c.-561G>C (NM_001354529.2); c.-663G>C (NM_001354530.2); and 8 more; short protein forms G7A.
Identifiers: ClinVar variation 1901337 (VCV001901337.6), dbSNP rs559043276, ClinGen allele CA371742197.
Genomic context (GRCh38, chr8:95,025,028, plus strand): 5'-CGCCGACGGCGGGGGGTCGAAGGGCACGCAGTGCCGGCGTCATGGCGGCCTCCGCGCACG[G>C]CTCTGTCTGGGGGCCGTTGCGGCTTGGCATCCCCGGCCTGTGCTGCCGCCGGCCGCCTCT-3'
Protein context (NP_689629.2, residues 1-17): MAASAH[Gly7Ala]SVWGPLRLGI

ClinVar aggregate classification (germline): Uncertain significance. Review status: criteria provided, multiple submitters, no conflicts (2 of 4 stars). 2 submissions from 2 submitters: Uncertain significance (2). Last evaluated 2022-11-07.

Conditions:
Inborn genetic diseases. Identifiers: MedGen C0950123, MeSH D030342.

gnomAD v4.1: 1 of 1,377,774 alleles (0.000073%); highest among the groups gnomAD compares: Non-Finnish European, 0.000093%; no homozygotes.

Submissions (2):

Ambry Genetics
Classification: Uncertain significance for Inborn genetic diseases. Last evaluated: 2022-11-07. Review status: criteria provided, single submitter. Criteria: Ambry Variant Classification Scheme 2023. Collection method: clinical testing. Allele origin: germline.

Labcorp Genetics (formerly Invitae), Labcorp
Classification: Uncertain significance. Last evaluated: 2022-07-11. Review status: criteria provided, single submitter. Criteria: Invitae Variant Classification Sherloc (09022015). Collection method: clinical testing. Allele origin: germline.
Comment: This sequence change replaces glycine, which is neutral and non-polar, with alanine, which is neutral and non-polar, at codon 7 of the NDUFAF6 protein (p.Gly7Ala). This variant is not present in population databases (gnomAD no frequency). This variant has not been reported in the literature in individuals affected with NDUFAF6-related conditions. Algorithms developed to predict the effect of missense changes on protein structure and function output the following: SIFT: "Tolerated"; PolyPhen-2: "Benign"; Align-GVGD: "Class C0". The alanine amino acid residue is found in multiple mammalian species, which suggests that this missense change does not adversely affect protein function. In summary, the available evidence is currently insufficient to determine the role of this variant in disease. Therefore, it has been classified as a Variant of Uncertain Significance.